The following is an entry in ClinVar:

ClinVar aggregate classification (germline): Uncertain significance. Review status: criteria provided, multiple submitters, no conflicts (2 of 4 stars). 2 submissions from 2 submitters: Uncertain significance (2). Last evaluated 2024-10-02.

Allele frequency attached by ClinVar (database versions not stated): gnomAD exomes below 0.00001; TOPMed below 0.00001.
gnomAD v4.1: 1 of 1,614,012 alleles (0.000062%); highest among the groups gnomAD compares: Non-Finnish European, 0.000085%; no homozygotes.

Submissions (2):

GeneDx
Classification: Uncertain significance. Last evaluated: 2024-10-02. Review status: criteria provided, single submitter. Criteria: GeneDx Variant Classification Process June 2021. Collection method: clinical testing. Allele origin: germline. Affected: yes.
Comment: Not observed at significant frequency in large population cohorts (gnomAD); In silico analysis supports that this missense variant has a deleterious effect on protein structure/function; Missense variants in this gene are a common cause of disease and they are underrepresented in the general population; Has not been previously published as pathogenic or benign to our knowledge; This variant is associated with the following publications: (PMID: 20829227)

CeGaT Center for Human Genetics Tuebingen
Classification: Uncertain significance. Last evaluated: 2021-11-01. Review status: criteria provided, single submitter. Criteria: CeGaT Center For Human Genetics Tuebingen Variant Classification Criteria Version 2. Collection method: clinical testing. Allele origin: germline. Affected: yes. Observed: 1 variant allele.

NM_006086.4(TUBB3):c.677A>G (p.Asn226Ser)

Gene: TUBB3 (tubulin beta 3 class III; plus strand). Cytogenetic location: 16q24.3.
Variant type: single nucleotide variant.
Coding change: c.677A>G on transcript NM_006086.4 (MANE Select); coding-DNA position 677, A replaced by G.
Protein change: p.Asn226Ser; replaces asparagine 226 with serine.
Molecular consequence: missense variant.
Genome position (GRCh38, 1-based): chr16:89,935,128, A>G. VCF-style: chr16-89935128-A-G. GRCh37 (hg19) VCF-style: chr16-90001536-A-G.
Other names: c.677A>G (NM_006086.3); c.461A>G, p.Asn154Ser (NM_001197181.2); short protein forms N154S, N226S.
Identifiers: ClinVar variation 1335237 (VCV001335237.36), dbSNP rs1221483017, ClinGen allele CA397475099.